The following is an entry in ClinVar:

NM_014244.5(ADAMTS2):c.89_91delinsAGCA (p.Pro30fs)

Gene: ADAMTS2 (ADAM metallopeptidase with thrombospondin type 1 motif 2; minus strand). Cytogenetic location: 5q35.3.
Variant type: Indel.
Coding change: c.89_91delinsAGCA on transcript NM_014244.5 (MANE Select); coding-DNA positions 89 to 91, CGC replaced by AGCA.
Protein change: p.Pro30fs; shifts the reading frame from proline 30.
Molecular consequence: frameshift variant.
Genome position (GRCh38, 1-based): chr5:179,345,238-179,345,240, GCG replaced by TGCT on the plus strand (CGC replaced by AGCA on the coding strand, the reverse complement: ADAMTS2 is on the minus strand). VCF-style: chr5-179345238-GCG-TGCT. GRCh37 (hg19) VCF-style: chr5-178772239-GCG-TGCT.
Other names: c.89_91delinsAGCA, p.Pro30fs (NM_021599.4); short protein forms P30fs.
Identifiers: ClinVar variation 5010521 (VCV005010521.1).

ClinVar aggregate classification (germline): Pathogenic (1 of 4 stars; one submission).

Conditions:
Ehlers-Danlos syndrome, dermatosparaxis type. Also called: EDS VIIC; Dermatosparaxis; Ehlers-Danlos syndrome, type VII, autosomal recessive. Identifiers: Orphanet 1901, MedGen C2700425, MONDO:0009161, OMIM 225410.

Submission:

Myriad Genetics, Inc.
Classification: Pathogenic for Ehlers-Danlos syndrome, dermatosparaxis type. Last evaluated: 2024-05-14. Review status: criteria provided, single submitter. Criteria: Myriad Autosomal Dominant, Autosomal Recessive and X-Linked Classification Criteria (2023). Collection method: clinical testing. Allele origin: unknown.
Comment: NM_014244.4(ADAMTS2):c.89_91delCGCinsAGCA(P30Qfs*36) is expected to be pathogenic in the context of Ehlers-Danlos syndrome, ADAMTS2-related. This variant is predicted to lead to an abnormal or absent protein product due to the creation of a premature termination codon in ADAMTS2, a gene where loss-of-function variants are known to be pathogenic. Please note: this variant was assessed in the context of healthy population screening.